The following is an entry in ClinVar:

ClinVar aggregate classification (germline): Uncertain significance (1 of 4 stars; one submission).

Conditions:
Dyskeratosis congenita. Identifiers: Orphanet 1775, MedGen C0265965, MONDO:0015780.

Allele frequency attached by ClinVar (database versions not stated): gnomAD 0.00001.
gnomAD v4.1: 7 of 1,613,680 alleles (0.00043%); highest among the groups gnomAD compares: Non-Finnish European, 0.00051%; no homozygotes.

Submission:

Labcorp Genetics (formerly Invitae), Labcorp
Classification: Uncertain significance for Dyskeratosis congenita. Last evaluated: 2023-09-20. Review status: criteria provided, single submitter. Criteria: Invitae Variant Classification Sherloc (09022015). Collection method: clinical testing. Allele origin: germline.
Comment: This sequence change replaces arginine, which is basic and polar, with serine, which is neutral and polar, at codon 122 of the NHP2 protein (p.Arg122Ser). This variant is not present in population databases (gnomAD no frequency). This variant has not been reported in the literature in individuals affected with NHP2-related conditions. An algorithm developed to predict the effect of missense changes on protein structure and function (PolyPhen-2) suggests that this variant is likely to be disruptive. In summary, the available evidence is currently insufficient to determine the role of this variant in disease. Therefore, it has been classified as a Variant of Uncertain Significance.

NM_017838.4(NHP2):c.364C>A (p.Arg122Ser)

Genes: NHP2 (NHP2 ribonucleoprotein; minus strand), RMND5B (required for meiotic nuclear division 5 homolog B; plus strand). Cytogenetic location: 5q35.3.
Variant type: single nucleotide variant.
Coding change: c.364C>A on transcript NM_017838.4 (MANE Select); coding-DNA position 364, C replaced by A.
Protein change: p.Arg122Ser; replaces arginine 122 with serine.
Molecular consequence: missense variant. On other transcripts: 3 prime UTR variant (3).
Genome position (GRCh38, 1-based): chr5:178,149,811, G>T on the plus strand (C>A on the coding strand, the complement: NHP2 is on the minus strand). VCF-style: chr5-178149811-G-T. GRCh37 (hg19) VCF-style: chr5-177576812-G-T.
Other names: c.258C>A, p.Ser86Arg (NM_001034833.2); c.492C>A, p.Ser164Arg (NM_001396110.1); c.*1779G>T (NM_001288794.2, NM_001288795.2, NM_022762.5); short protein forms S86R, R122S, S164R.
Identifiers: ClinVar variation 2920170 (VCV002920170.3), dbSNP rs752392516, ClinGen allele CA362391168.